The following is an entry in ClinVar:

ClinVar aggregate classification (germline): Uncertain significance (1 of 4 stars; one submission).

Conditions:
Glycogen storage disease, type I. Identifiers: Orphanet 364, MedGen C0017920, MONDO:0002413.

Submission:

Myriad Genetics, Inc.
Classification: Uncertain significance for Glycogen storage disease, type I. Last evaluated: 2026-03-27. Review status: criteria provided, single submitter. Criteria: Myriad Autosomal Dominant, Autosomal Recessive and X-Linked Classification Criteria (2023). Collection method: clinical testing. Allele origin: unknown.
Comment: NM_001164277.1(SLC37A4):c.1207A>C(I403L) is a missense variant classified as a variant of uncertain significance in the context of glycogen storage disease type Ib. I403L has not been observed in cases with relevant disease. Relevant functional assessments of this variant are not available in the literature. I403L has not been observed in referenced population frequency databases. In summary, there is insufficient evidence to classify NM_001164277.1(SLC37A4):c.1207A>C(I403L) as pathogenic or benign. Please note: this variant was assessed in the context of healthy population screening.

NM_001164277.2(SLC37A4):c.1207A>C (p.Ile403Leu)

Gene: SLC37A4 (solute carrier family 37 member 4; minus strand). Cytogenetic location: 11q23.3.
Variant type: single nucleotide variant.
Coding change: c.1207A>C on transcript NM_001164277.2 (MANE Select); coding-DNA position 1207, A replaced by C.
Protein change: p.Ile403Leu; replaces isoleucine 403 with leucine.
Molecular consequence: missense variant.
Genome position (GRCh38, 1-based): chr11:119,024,993, T>G on the plus strand (A>C on the coding strand, the complement: SLC37A4 is on the minus strand). VCF-style: chr11-119024993-T-G. GRCh37 (hg19) VCF-style: chr11-118895703-T-G.
Other names: c.1273A>C, p.Ile425Leu (NM_001164278.2); c.988A>C, p.Ile330Leu (NM_001164279.2); c.1207A>C, p.Ile403Leu (NM_001164280.2, NM_001467.6); short protein forms I403L, I330L, I425L.
Identifiers: ClinVar variation 5004567 (VCV005004567.1).
Genomic context (GRCh38, chr11:119,024,993, plus strand): 5'-GGCCCATCTTGGTGCGGATGTTTCGTAGGAGGAAGAAGGCAGCCGTGCTGGCCGCACAAA[T>G]CACTTCAGCCACCCAGAAGGCTGTGCTCCAACTGTAGTGCTTGGCAATGGTGCTGAAGGG-3'
Protein context (NP_001157749.1, residues 393-413): WSTAFWVAEV[Ile403Leu]CAASTAAFFL